The following is an entry in ClinVar:

NM_004614.5(TK2):c.83del (p.Gly28fs)

Genes: TK2 (thymidine kinase 2; minus strand), LOC130059156 (ATAC-STARR-seq lymphoblastoid silent region 7560; plus strand). Cytogenetic location: 16q21.
Variant type: Deletion.
Coding change: c.83del on transcript NM_004614.5 (MANE Select); coding-DNA position 83, one base deleted (G; older notation c.83delG).
Protein change: p.Gly28fs; shifts the reading frame from glycine 28.
Molecular consequence: frameshift variant. On other transcripts: 5 prime UTR variant (2), non-coding transcript variant (1), intron variant (2).
Genome position (GRCh38, 1-based): chr16:66,549,979, C deleted on the plus strand (G on the coding strand, the reverse complement: TK2 is on the minus strand); the first of 2 consecutive C bases (chr16:66,549,979-66,549,980); deleting either gives the same sequence. VCF-style (leftmost placement, unchanged base first): chr16-66549978-GC-G. GRCh37 (hg19) VCF-style: chr16-66583881-GC-G.
Other names: c.83del, p.Gly28fs (NM_001172644.2, NM_001172645.2); c.-160del (NM_001271934.2); c.-570del (NM_001272050.2); c.31+274del (NM_001271935.1, NM_001172643.1); short protein forms G28fs.
Identifiers: ClinVar variation 1360056 (VCV001360056.6), dbSNP rs1567544188, ClinGen allele CA623116109.

ClinVar aggregate classification (germline): Pathogenic (1 of 4 stars; one submission).

Submission:

Labcorp Genetics (formerly Invitae), Labcorp
Classification: Pathogenic. Last evaluated: 2024-02-19. Review status: criteria provided, single submitter. Criteria: Invitae Variant Classification Sherloc (09022015). Collection method: clinical testing. Allele origin: germline.
Comment: This sequence change creates a premature translational stop signal (p.Gly28Alafs*25) in the TK2 gene. It is expected to result in an absent or disrupted protein product. Loss-of-function variants in TK2 are known to be pathogenic (PMID: 20421844). This variant is present in population databases (no rsID available, gnomAD 0.006%). This variant has not been reported in the literature in individuals affected with TK2-related conditions. ClinVar contains an entry for this variant (Variation ID: 1360056). For these reasons, this variant has been classified as Pathogenic.

Literature cited by the submitters: PubMed 20421844.